The following is an entry in ClinVar:

NM_001317782.2(RPL8):c.113A>G (p.His38Arg)

Gene: RPL8 (ribosomal protein L8; minus strand). Cytogenetic location: 8q24.3.
Variant type: single nucleotide variant.
Coding change: c.113A>G on transcript NM_001317782.2 (MANE Select); coding-DNA position 113, A replaced by G.
Protein change: p.His38Arg; replaces histidine 38 with arginine.
Molecular consequence: missense variant.
Genome position (GRCh38, 1-based): chr8:144,792,017, T>C on the plus strand (A>G on the coding strand, the complement: RPL8 is on the minus strand). VCF-style: chr8-144792017-T-C. GRCh37 (hg19) VCF-style: chr8-146017402-T-C.
Other names: c.113A>G, p.His38Arg (NM_000973.5, NM_001317771.2, NM_033301.3); short protein forms H38R.
Identifiers: ClinVar variation 1327921 (VCV001327921.2), dbSNP rs2537464401, ClinGen allele CA372672159.

ClinVar aggregate classification (germline): Uncertain significance (1 of 4 stars; one submission).

Submission:

GeneDx
Classification: Uncertain significance. Last evaluated: 2021-12-14. Review status: criteria provided, single submitter. Criteria: GeneDx Variant Classification Process June 2021. Collection method: clinical testing. Allele origin: germline. Affected: yes.
Comment: Not observed at significant frequency in large population cohorts (Lek et al., 2016); In silico analysis supports that this missense variant has a deleterious effect on protein structure/function